The following is an entry in ClinVar:

ClinVar aggregate classification (germline): Likely benign. Review status: criteria provided, single submitter (1 of 4 stars). 2 submissions from 2 submitters: Likely benign (1). 1 of the submissions does not count toward it. Last evaluated 2025-02-01.

Conditions:
DMBT1-related disorder. Also called: DMBT1-related condition.

Allele frequency attached by ClinVar (database versions not stated): 1000 Genomes Project 0.00120; 1000 Genomes Project 30x 0.00141; ESP Exome Variant Server 0.00231; TOPMed 0.00305; gnomAD 0.00348; ExAC 0.00355.
gnomAD v4.1: 6,420 of 1,613,976 alleles (0.4%); highest among the groups gnomAD compares: Non-Finnish European, 0.45%; 16 homozygotes.

Submissions (2):

CeGaT Center for Human Genetics Tuebingen
Classification: Likely benign. Last evaluated: 2025-02-01. Review status: criteria provided, single submitter. Criteria: CeGaT Center For Human Genetics Tuebingen Variant Classification Criteria Version 2. Collection method: clinical testing. Allele origin: germline. Affected: yes. Observed: 1 variant allele.
Comment: DMBT1: BS2

PreventionGenetics, part of Exact Sciences
Classification: Benign for DMBT1-related condition. Last evaluated: 2019-05-17. Review status: no assertion criteria provided. Collection method: clinical testing. Allele origin: germline. Not counted in ClinVar's aggregate classification.
Comment: This variant is classified as benign based on ACMG/AMP sequence variant interpretation guidelines (Richards et al. 2015 PMID: 25741868, with internal and published modifications).

NM_001377530.1(DMBT1):c.5020G>A (p.Val1674Met)

Gene: DMBT1 (deleted in malignant brain tumors 1; plus strand). Cytogenetic location: 10q26.13.
Variant type: single nucleotide variant.
Coding change: c.5020G>A on transcript NM_001377530.1 (MANE Select); coding-DNA position 5020, G replaced by A.
Protein change: p.Val1674Met; replaces valine 1674 with methionine.
Molecular consequence: missense variant.
Genome position (GRCh38, 1-based): chr10:122,618,145, G>A. VCF-style: chr10-122618145-G-A. GRCh37 (hg19) VCF-style: chr10-124377661-G-A.
Other names: c.4633G>A, p.Val1545Met (NM_001320644.2, NM_007329.3); c.2749G>A, p.Val917Met (NM_004406.3); c.4603G>A, p.Val1535Met (NM_017579.3); short protein forms V1535M, V1545M, V1674M, V917M.
Identifiers: ClinVar variation 3037383 (VCV003037383.15), dbSNP rs189221852, ClinGen allele CA5727708.